The following is an entry in ClinVar:

ClinVar aggregate classification (germline): Uncertain significance. Review status: criteria provided, multiple submitters, no conflicts (2 of 4 stars). 8 submissions from 8 submitters: Uncertain significance (8). Last evaluated 2026-03-24.

Conditions:
Polymicrogyria with or without vascular-type Ehlers-Danlos syndrome. Identifiers: Orphanet 636941, MedGen C5193040, MONDO:0032688, OMIM 618343.
Ehlers-Danlos syndrome, type 4 (EDSVASC). Also called: Ehlers-Danlos syndrome vascular type; Ehlers Danlos syndrome, ecchymotic type; Ehlers Danlos syndrome, arterial type; Ehlers Danlos syndrome, Sack-Barabas type; Ehlers-Danlos Syndrome Type IV. Identifiers: Orphanet 286, MedGen C0268338, MONDO:0017314, OMIM 130050.
Familial thoracic aortic aneurysm and aortic dissection (TAAD). Also called: Thoracic aortic aneurysms and dissections. Identifiers: Orphanet 91387, MedGen C4707243, MONDO:0019625.

Allele frequency attached by ClinVar (database versions not stated): gnomAD 0.00001; gnomAD exomes 0.00002 and 0.00004; TOPMed 0.00002; ExAC 0.00003; ESP Exome Variant Server 0.00015.
gnomAD v4.1: 62 of 1,613,148 alleles (0.0038%); highest among the groups gnomAD compares: Non-Finnish European, 0.0051%; no homozygotes.

Submissions (8):

Women's Health and Genetics/Laboratory Corporation of America, LabCorp
Classification: Uncertain significance. Last evaluated: 2026-03-24. Review status: criteria provided, single submitter. Criteria: LabCorp Variant Classification Summary - May 2015. Collection method: clinical testing. Allele origin: germline.
Comment: Variant summary: COL3A1 c.203A>G (p.Asp68Gly) results in a non-conservative amino acid change in the encoded protein sequence. Algorithms developed to predict the effect of missense changes on protein structure and function are either unavailable or do not agree on the potential impact of this missense change. The variant allele was found at a frequency of 2.4e-05 in 250758 control chromosomes. The available data on variant occurrences in the general population are insufficient to allow any conclusion about variant significance. c.203A>G has been observed in one individual affected with Adolescent idiopathic scoliosis (Haller_2015). The report does not provide unequivocal conclusions about association of the variant with Polymicrogyria with or without vascular-type Ehlers-Danlos syndrome. To our knowledge, no experimental evidence demonstrating an impact on protein function has been reported. The following publication have been ascertained in the context of this evaluation (PMID: 26566670). ClinVar contains an entry for this variant (Variation ID: 199708). Based on the evidence outlined above, the variant was classified as uncertain significance.

Labcorp Genetics (formerly Invitae), Labcorp
Classification: Uncertain significance for Ehlers-Danlos syndrome, type 4. Last evaluated: 2026-01-14. Review status: criteria provided, single submitter. Criteria: Invitae Variant Classification Sherloc (09022015). Collection method: clinical testing. Allele origin: germline.
Comment: This sequence change replaces aspartic acid, which is acidic and polar, with glycine, which is neutral and non-polar, at codon 68 of the COL3A1 protein (p.Asp68Gly). This variant is present in population databases (rs376603102, gnomAD 0.007%). This missense change has been observed in individual(s) with adolescent idiopathic scoliosis (PMID: 26566670). ClinVar contains an entry for this variant (Variation ID: 199708). Invitae Evidence Modeling of protein sequence and biophysical properties (such as structural, functional, and spatial information, amino acid conservation, physicochemical variation, residue mobility, and thermodynamic stability) indicates that this missense variant is not expected to disrupt COL3A1 protein function with a negative predictive value of 95%. In summary, the available evidence is currently insufficient to determine the role of this variant in disease. Therefore, it has been classified as a Variant of Uncertain Significance.

Ambry Genetics
Classification: Uncertain significance for Familial thoracic aortic aneurysm and aortic dissection. Last evaluated: 2025-04-10. Review status: criteria provided, single submitter. Criteria: Ambry Variant Classification Scheme 2023. Collection method: clinical testing. Allele origin: germline.
Comment: The p.D68G variant (also known as c.203A>G), located in coding exon 2 of the COL3A1 gene, results from an A to G substitution at nucleotide position 203. The aspartic acid at codon 68 is replaced by glycine, an amino acid with similar properties. This amino acid position is not well conserved in available vertebrate species. In addition, the in silico prediction for this alteration is inconclusive. Based on the available evidence, the clinical significance of this variant remains unclear.

Color Diagnostics, LLC DBA Color Health
Classification: Uncertain significance for Familial thoracic aortic aneurysm and aortic dissection. Last evaluated: 2024-03-06. Review status: criteria provided, single submitter. Criteria: ACMG Guidelines, 2015. Collection method: clinical testing. Allele origin: germline.
Comment: This missense variant replaces aspartic acid with glycine at codon 68 of the COL3A1 protein. Computational prediction suggests that this variant may not impact protein structure and function (internally defined REVEL score threshold <= 0.5, PMID: 27666373). To our knowledge, functional studies have not been reported for this variant. This variant has not been reported in individuals affected with COL3A1-related disorders in the literature. This variant has been identified in 6/250758 chromosomes in the general population by the Genome Aggregation Database (gnomAD). The available evidence is insufficient to determine the role of this variant in disease conclusively. Therefore, this variant is classified as a Variant of Uncertain Significance.

GeneDx
Classification: Uncertain significance. Last evaluated: 2024-01-03. Review status: criteria provided, single submitter. Criteria: GeneDx Variant Classification Process June 2021. Collection method: clinical testing. Allele origin: germline. Affected: yes.
Comment: Reported as a heterozygous variant in an individual with aortic dilation (Morgan et al., 2020); In silico analysis supports that this missense variant has a deleterious effect on protein structure/function; Not located in the triple helical region, where the majority of pathogenic missense variants occur (HGMD)

Victorian Clinical Genetics Services, Murdoch Childrens Research Institute
Classification: Uncertain significance for Ehlers-Danlos syndrome, type 4. Last evaluated: 2023-12-21. Review status: criteria provided, single submitter. Criteria: ACMG Guidelines, 2015. Collection method: clinical testing. Allele origin: germline. Inheritance: Autosomal dominant inheritance. Affected: yes.
Comment: Based on the classification scheme VCGS_Germline_v1.3.4, this variant is classified as VUS-3B. Following criteria are met: 0103 - Dominant negative and loss of function are known mechanisms of disease in this gene. Dominant-negative is due to missense variants affecting glycine residues in the Gly-X-Y repeat within the triple helical region, while loss-of-function is due to null alleles (PMID: 29346445). (I) 0108 - This gene is associated with both recessive and dominant disease; There is currently no genotype-phenotype correlation between autosomal dominant Ehlers-Danlos syndrome (EDS), vascular type (MIM#130050) and autosomal recessive polymicrogyria with or without vascular-type EDS (MIM#618343). (I) 0112 - The condition associated with this gene has incomplete penetrance. This is associated with COL3A1 null variants (PMID: 20301667). (I) 0115 - Variants in this gene are known to have variable expressivity (PMID: 20301667). (I) 0200 - Variant is predicted to result in a missense amino acid change from aspartic acid to glycine. (I) 0251 - This variant is heterozygous. (I) 0302 - Variant is present in gnomAD (v2) <0.001 for a dominant condition (6 heterozygotes). (SP) 0502 - Missense variant with conflicting in silico predictions and uninformative conservation. (I) 0600 - Variant is located in the annotated von Willebrand factor C domain (DECIPHER). (I) 0710 - Another missense variant comparable to the one identified in this case has inconclusive previous evidence for pathogenicity. The substitution to glutamic acid (p.Asp68Glu) has been reported as a VUS (ClinVar). (I) 0809 - Previous evidence of pathogenicity for this variant is inconclusive. (I) 0905 - No published segregation evidence has been identified for this variant. (I) 1007 - No published functional evidence has been identified for this variant. (I) 1208 - Inheritance information for this variant is not currently available in this individual. (I) Legend: (SP) - Supporting pathogenic, (I) - Information, (SB) - Supporting benign

All of Us Research Program, National Institutes of Health
Classification: Uncertain significance for Ehlers-Danlos syndrome, type 4. Last evaluated: 2023-12-01. Review status: criteria provided, single submitter. Criteria: ACMG Guidelines, 2015. Collection method: clinical testing. Allele origin: germline. Inheritance: Autosomal dominant inheritance. Observed: 5 variant alleles, 5 heterozygotes.
Comment: This missense variant replaces aspartic acid with glycine at codon 68 of the COL3A1 protein. Computational prediction suggests that this variant may not impact protein structure and function (internally defined REVEL score threshold <= 0.5, PMID: 27666373). Splice site prediction tools suggest that this variant may not impact RNA splicing. To our knowledge, functional studies have not been performed for this variant. This variant has not been reported in individuals affected with cardiovascular disorders in the literature. This variant has been identified in 6/250758 chromosomes in the general population by the Genome Aggregation Database (gnomAD). The available evidence is insufficient to determine the role of this variant in disease conclusively. Therefore, this variant is classified as a Variant of Uncertain Significance.

This study involves interpretation of variants in research participants for the purpose of population health screening. Participant phenotype was not available at the time of variant classification. Additional details can be found in publication PMID: 35346344, PMCID: PMC8962531

Fulgent Genetics
Classification: Uncertain significance for Ehlers-Danlos syndrome, type 4; Polymicrogyria with or without vascular-type Ehlers-Danlos syndrome. Last evaluated: 2021-10-20. Review status: criteria provided, single submitter. Criteria: ACMG Guidelines, 2015. Collection method: clinical testing. Allele origin: unknown.

Literature cited by the submitters: PubMed 26566670 (cited by Women's Health and Genetics/Laboratory Corporation of America, LabCorp and Labcorp Genetics (formerly Invitae), Labcorp); PubMed 20301667 (cited by Victorian Clinical Genetics Services, Murdoch Childrens Research Institute); PubMed 29346445 (cited by Victorian Clinical Genetics Services, Murdoch Childrens Research Institute).

NM_000090.4(COL3A1):c.203A>G (p.Asp68Gly)

Gene: COL3A1 (collagen type III alpha 1 chain; plus strand). Cytogenetic location: 2q32.2.
Variant type: single nucleotide variant.
Coding change: c.203A>G on transcript NM_000090.4 (MANE Select); coding-DNA position 203, A replaced by G.
Protein change: p.Asp68Gly; replaces aspartic acid 68 with glycine.
Molecular consequence: missense variant.
Genome position (GRCh38, 1-based): chr2:188,984,883, A>G. VCF-style: chr2-188984883-A-G. GRCh37 (hg19) VCF-style: chr2-189849609-A-G.
Other names: p.D68G:GAC>GGC; short protein forms D68G.
Identifiers: ClinVar variation 199708 (VCV000199708.22), dbSNP rs376603102, ClinGen allele CA004922.
Genomic context (GRCh38, chr2:188,984,883, plus strand): 5'-AACCATGCCAAATATGTGTCTGTGACTCAGGATCCGTTCTCTGCGATGACATAATATGTG[A>G]CGATCAAGAATTAGACTGCCCCAACCCAGAAATTCCATTTGGAGAATGTTGTGCAGTTTG-3'
Protein context (NP_000081.2, residues 58-78): GSVLCDDIIC[Asp68Gly]DQELDCPNPE